The following is an entry in ClinVar:

NC_000011.10:g.(?_108267161)_(108268619_?)del

Gene: ATM (ATM serine/threonine kinase; plus strand). Cytogenetic location: 11q22.3.
Variant type: Deletion.
Identifiers: ClinVar variation 832658 (VCV000832658.1).

ClinVar aggregate classification (germline): Uncertain significance (1 of 4 stars; one submission).

Conditions:
Ataxia-telangiectasia syndrome (AT). Also called: Ataxia-telangiectasia, complementation group E; Ataxia telangiectasia (A-T); LOUIS-BAR SYNDROME; Ataxia-telangiectasia, complementation group D; AT, COMPLEMENTATION GROUP C; Ataxia-telangiectasia. Identifiers: Orphanet 100, MedGen C0004135, MONDO:0008840, OMIM 208900.

Submission:

Labcorp Genetics (formerly Invitae), Labcorp
Classification: Uncertain significance for Ataxia-telangiectasia syndrome. Last evaluated: 2019-10-29. Review status: criteria provided, single submitter. Criteria: Invitae Variant Classification Sherloc (09022015). Collection method: clinical testing. Allele origin: germline.
Comment: This variant is an in-frame deletion of the genomic region encompassing exons 17-18 of the ATM gene. It preserves the integrity of the reading frame. This variant has not been reported in the literature in individuals with ATM-related conditions. Experimental studies and prediction algorithms are not available or were not evaluated for this variant, and the functional significance of this variant is currently unknown. In summary, the available evidence is currently insufficient to determine the role of this variant in disease. Therefore, it has been classified as a Variant of Uncertain Significance.